The following is an entry in ClinVar:

NM_002076.4(GNS):c.1616G>A (p.Arg539His)

Gene: GNS (glucosamine (N-acetyl)-6-sulfatase; minus strand). Cytogenetic location: 12q14.3.
Variant type: single nucleotide variant.
Coding change: c.1616G>A on transcript NM_002076.4 (MANE Select); coding-DNA position 1616, G replaced by A.
Protein change: p.Arg539His; replaces arginine 539 with histidine.
Molecular consequence: missense variant.
Genome position (GRCh38, 1-based): chr12:64,716,784, C>T on the plus strand (G>A on the coding strand, the complement: GNS is on the minus strand). VCF-style: chr12-64716784-C-T. GRCh37 (hg19) VCF-style: chr12-65110564-C-T.
Other names: short protein forms R539H.
Identifiers: ClinVar variation 881007 (VCV000881007.8), dbSNP rs766615352, ClinGen allele CA6669621.

ClinVar aggregate classification (germline): Conflicting classifications of pathogenicity. Review status: criteria provided, conflicting classifications (1 of 4 stars). 4 submissions from 4 submitters: Uncertain significance (3); Likely benign (1). Last evaluated 2025-10-21.

Conditions:
GNS-related disorder. Also called: GNS-related condition.
Mucopolysaccharidosis, MPS-III-D (MPS3D). Also called: N-ACETYLGLUCOSAMINE-6-SULFATASE DEFICIENCY; SANFILIPPO SYNDROME D; MPS IIID (Sanfilippo Syndrome Type D); MUCOPOLYSACCHARIDOSIS, TYPE IIID; MPS III D; Mucopoly-saccharidosis type 3D. Identifiers: Orphanet 581, Orphanet 79272, MedGen C0086650, MONDO:0009658, OMIM 252940.
Inborn genetic diseases. Identifiers: MedGen C0950123, MeSH D030342.

Allele frequency attached by ClinVar (database versions not stated): gnomAD 0.00001 and 0.00002; TOPMed 0.00004; ExAC 0.00003; gnomAD exomes 0.00003 and 0.00005.
gnomAD v4.1: 72 of 1,613,360 alleles (0.0045%); highest among the groups gnomAD compares: East Asian, 0.0089%; no homozygotes.

Submissions (4):

Ambry Genetics
Classification: Likely benign for Inborn genetic diseases. Last evaluated: 2025-10-21. Review status: criteria provided, single submitter. Criteria: Ambry Variant Classification Scheme 2023. Collection method: clinical testing. Allele origin: germline.

PreventionGenetics, part of Exact Sciences
Classification: Uncertain significance for GNS-related condition. Last evaluated: 2025-09-02. Review status: criteria provided, single submitter. Criteria: ACMG Guidelines, 2015. Collection method: clinical testing. Allele origin: germline.
Comment: The GNS c.1616G>A variant is predicted to result in the amino acid substitution p.Arg539His. To our knowledge, this variant has not been reported in the literature. This variant is reported in 0.0054% of alleles in individuals of East Asian descent in gnomAD. At this time, the clinical significance of this variant is uncertain due to the absence of conclusive functional and genetic evidence.

Labcorp Genetics (formerly Invitae), Labcorp
Classification: Uncertain significance for Mucopolysaccharidosis, MPS-III-D. Last evaluated: 2022-08-06. Review status: criteria provided, single submitter. Criteria: Invitae Variant Classification Sherloc (09022015). Collection method: clinical testing. Allele origin: germline.
Comment: This sequence change replaces arginine, which is basic and polar, with histidine, which is basic and polar, at codon 539 of the GNS protein (p.Arg539His). This variant is present in population databases (rs766615352, gnomAD 0.006%). This variant has not been reported in the literature in individuals affected with GNS-related conditions. ClinVar contains an entry for this variant (Variation ID: 881007). Algorithms developed to predict the effect of missense changes on protein structure and function output the following: SIFT: "Tolerated"; PolyPhen-2: "Benign"; Align-GVGD: "Class C0". The histidine amino acid residue is found in multiple mammalian species, which suggests that this missense change does not adversely affect protein function. In summary, the available evidence is currently insufficient to determine the role of this variant in disease. Therefore, it has been classified as a Variant of Uncertain Significance.

Illumina Laboratory Services, Illumina
Classification: Uncertain significance for Mucopolysaccharidosis, MPS-III-D. Last evaluated: 2017-04-27. Review status: criteria provided, single submitter. Criteria: ICSL Variant Classification Criteria 13 December 2019. Collection method: clinical testing. Allele origin: germline.